The following is an entry in ClinVar:

NM_015338.6(ASXL1):c.1086-12T>C

Gene: ASXL1 (ASXL transcriptional regulator 1; plus strand). Cytogenetic location: 20q11.21.
Variant type: single nucleotide variant.
Coding change: c.1086-12T>C on transcript NM_015338.6 (MANE Select); 12 bases into the intron before coding-DNA position 1086, T replaced by C.
Molecular consequence: intron variant.
Genome position (GRCh38, 1-based): chr20:32,433,272, T>C. VCF-style: chr20-32433272-T-C. GRCh37 (hg19) VCF-style: chr20-31021075-T-C.
Other names: c.903-12T>C (NM_001363734.1).
Identifiers: ClinVar variation 1696867 (VCV001696867.2), dbSNP rs2123251449, ClinGen allele CA916079809.

ClinVar aggregate classification (germline): Uncertain significance (1 of 4 stars; one submission).

Submission:

GeneDx
Classification: Uncertain significance. Last evaluated: 2022-01-18. Review status: criteria provided, single submitter. Criteria: GeneDx Variant Classification Process June 2021. Collection method: clinical testing. Allele origin: germline. Affected: yes.
Comment: Not observed at significant frequency in large population cohorts (gnomAD); In silico analysis supports that this variant does not alter splicing; Has not been previously published as pathogenic or benign to our knowledge